The following is an entry in ClinVar:

ClinVar aggregate classification (germline): Uncertain significance (1 of 4 stars; one submission).

Conditions:
Charcot-Marie-Tooth disease type 4. Also called: Charcot-Marie-Tooth disease, type IV; Charcot-Marie-Tooth, Type 4. Identifiers: Orphanet 64749, MedGen C4082197, MONDO:0018995.

Submission:

Labcorp Genetics (formerly Invitae), Labcorp
Classification: Uncertain significance for Charcot-Marie-Tooth disease type 4. Last evaluated: 2024-09-09. Review status: criteria provided, single submitter. Criteria: Invitae Variant Classification Sherloc (09022015). Collection method: clinical testing. Allele origin: germline.
Comment: This sequence change falls in intron 14 of the MTMR2 gene. It does not directly change the encoded amino acid sequence of the MTMR2 protein. It affects a nucleotide within the consensus splice site. This variant is not present in population databases (gnomAD no frequency). This variant has not been reported in the literature in individuals affected with MTMR2-related conditions. Variants that disrupt the consensus splice site are a relatively common cause of aberrant splicing (PMID: 17576681, 9536098). Algorithms developed to predict the effect of sequence changes on RNA splicing suggest that this variant is not likely to affect RNA splicing. In summary, the available evidence is currently insufficient to determine the role of this variant in disease. Therefore, it has been classified as a Variant of Uncertain Significance.

Literature cited by the submitters: PubMed 17576681; PubMed 9536098.

NM_016156.6(MTMR2):c.1770+6del

Gene: MTMR2 (myotubularin related protein 2; minus strand). Cytogenetic location: 11q21.
Variant type: Deletion.
Coding change: c.1770+6del on transcript NM_016156.6 (MANE Select); 6 bases into the intron after coding-DNA position 1770, one base deleted (T; older notation c.1770+6delT).
Molecular consequence: intron variant.
Genome position (GRCh38, 1-based): chr11:95,836,142, A deleted on the plus strand (T on the coding strand, the reverse complement: MTMR2 is on the minus strand). VCF-style (leftmost placement, unchanged base first): chr11-95836141-CA-C. GRCh37 (hg19) VCF-style: chr11-95569305-CA-C.
Other names: c.1554+6del (NM_201281.3, NM_201278.3, NM_001243571.2).
Identifiers: ClinVar variation 3667372 (VCV003667372.2).